The following is an entry in ClinVar:

ClinVar aggregate classification (germline): Uncertain significance (1 of 4 stars; one submission).

Conditions:
Inborn genetic diseases. Identifiers: MedGen C0950123, MeSH D030342.

Submission:

Ambry Genetics
Classification: Uncertain significance for Inborn genetic diseases. Last evaluated: 2025-09-22. Review status: criteria provided, single submitter. Criteria: Ambry Variant Classification Scheme 2023. Collection method: clinical testing. Allele origin: germline.
Comment: The p.F1463L variant (also known as c.4389T>G), located in coding exon 13 of the ASXL1 gene, results from a T to G substitution at nucleotide position 4389. The phenylalanine at codon 1463 is replaced by leucine, an amino acid with highly similar properties. This amino acid position is conserved. In addition, this alteration is predicted to be tolerated by in silico analysis. Based on the available evidence, the clinical significance of this variant remains unclear.

NM_015338.6(ASXL1):c.4389T>G (p.Phe1463Leu)

Gene: ASXL1 (ASXL transcriptional regulator 1; plus strand). Cytogenetic location: 20q11.21.
Variant type: single nucleotide variant.
Coding change: c.4389T>G on transcript NM_015338.6 (MANE Select); coding-DNA position 4389, T replaced by G.
Protein change: p.Phe1463Leu; replaces phenylalanine 1463 with leucine.
Molecular consequence: missense variant.
Genome position (GRCh38, 1-based): chr20:32,437,101, T>G. VCF-style: chr20-32437101-T-G. GRCh37 (hg19) VCF-style: chr20-31024904-T-G.
Other names: c.4206T>G, p.Phe1402Leu (NM_001363734.1); short protein forms F1402L, F1463L.
Identifiers: ClinVar variation 4587253 (VCV004587253.1).
Genomic context (GRCh38, chr20:32,437,101, plus strand): 5'-GCTTTCTAAACTCCAACTGAGTTCCACCAGCTTTAATTATTCCTCTAGCTCTCCCACCTT[T>G]CCCAAAGGCCTTGCTGGAAGTGTGGTGCAGCTGAGCCACAAAGCAAACTTTGGTGCGAGC-3'
Protein context (NP_056153.2, residues 1453-1473): SFNYSSSSPT[Phe1463Leu]PKGLAGSVVQ